The following is an entry in ClinVar:

ClinVar aggregate classification (germline): Uncertain significance (1 of 4 stars; one submission).

Submission:

GeneDx
Classification: Uncertain significance. Last evaluated: 2026-02-19. Review status: criteria provided, single submitter. Criteria: GeneDx Variant Classification Process June 2021. Collection method: clinical testing. Allele origin: germline.
Comment: Not observed at significant frequency in large population cohorts (gnomAD); In silico analysis supports that this missense variant has a deleterious effect on protein structure/function; Has not been previously published as pathogenic or benign to our knowledge

NM_007118.4(TRIO):c.1920T>G (p.Cys640Trp)

Gene: TRIO (trio Rho guanine nucleotide exchange factor; plus strand). Cytogenetic location: 5p15.2.
Variant type: single nucleotide variant.
Coding change: c.1920T>G on transcript NM_007118.4 (MANE Select); coding-DNA position 1920, T replaced by G.
Protein change: p.Cys640Trp; replaces cysteine 640 with tryptophan.
Molecular consequence: missense variant. On other transcripts: non-coding transcript variant (1).
Genome position (GRCh38, 1-based): chr5:14,336,601, T>G. VCF-style: chr5-14336601-T-G. GRCh37 (hg19) VCF-style: chr5-14336710-T-G.
Other names: short protein forms C640W.
Identifiers: ClinVar variation 4071833 (VCV004071833.2).